The following is an entry in ClinVar:

ClinVar aggregate classification (germline): Uncertain significance (1 of 4 stars; one submission).

Submission:

Labcorp Genetics (formerly Invitae), Labcorp
Classification: Uncertain significance. Last evaluated: 2022-06-27. Review status: criteria provided, single submitter. Criteria: Invitae Variant Classification Sherloc (09022015). Collection method: clinical testing. Allele origin: germline.
Comment: In summary, the available evidence is currently insufficient to determine the role of this variant in disease. Therefore, it has been classified as a Variant of Uncertain Significance. Advanced modeling of protein sequence and biophysical properties (such as structural, functional, and spatial information, amino acid conservation, physicochemical variation, residue mobility, and thermodynamic stability) performed at Invitae indicates that this missense variant is not expected to disrupt WFS1 protein function. This variant has not been reported in the literature in individuals affected with WFS1-related conditions. This variant is not present in population databases (gnomAD no frequency). This sequence change replaces alanine, which is neutral and non-polar, with serine, which is neutral and polar, at codon 23 of the WFS1 protein (p.Ala23Ser).

NM_006005.3(WFS1):c.67G>T (p.Ala23Ser)

Gene: WFS1 (wolframin ER transmembrane glycoprotein; plus strand). Cytogenetic location: 4p16.1.
Variant type: single nucleotide variant.
Coding change: c.67G>T on transcript NM_006005.3 (MANE Select); coding-DNA position 67, G replaced by T.
Protein change: p.Ala23Ser; replaces alanine 23 with serine.
Molecular consequence: missense variant.
Genome position (GRCh38, 1-based): chr4:6,277,522, G>T. VCF-style: chr4-6277522-G-T. GRCh37 (hg19) VCF-style: chr4-6279249-G-T.
Other names: c.67G>T, p.Ala23Ser (NM_001145853.1); short protein forms A23S.
Identifiers: ClinVar variation 1378803 (VCV001378803.6), dbSNP rs2109107923, ClinGen allele CA356169546.